The following is an entry in ClinVar:

NM_000277.3(PAH):c.187_190delinsCCCA (p.Thr63_His64delinsProAsn)

Gene: PAH (phenylalanine hydroxylase; minus strand). Cytogenetic location: 12q23.2.
Variant type: Indel.
Coding change: c.187_190delinsCCCA on transcript NM_000277.3 (MANE Select); coding-DNA positions 187 to 190, ACCC replaced by CCCA.
Protein change: p.Thr63_His64delinsProAsn.
Molecular consequence: missense variant.
Genome position (GRCh38, 1-based): chr12:102,894,897-102,894,900, GGGT replaced by TGGG on the plus strand (ACCC replaced by CCCA on the coding strand, the reverse complement: PAH is on the minus strand). VCF-style: chr12-102894897-GGGT-TGGG. GRCh37 (hg19) VCF-style: chr12-103288675-GGGT-TGGG.
Other names: NM_000277.3(PAH):c.187_190delinsCCCA; p.Thr63_His64delinsProAsn; c.187_190delinsCCCA, p.Thr63_His64delinsProAsn (NM_001354304.2); c.187_190delACCCinsCCCA (NM_000277.1).
Identifiers: ClinVar variation 971992 (VCV000971992.9), dbSNP rs1877437047, ClinGen allele CA16020741.
Genomic context (GRCh38, chr12:102,894,897, plus strand): 5'-CCAAATGGGTGAAAAATTCATACTCATCTTTCTTTAAACGAGAAGGTCTAGATTCAATGT[GGGT>TGGG]CAGGTTTACATCATTCTCCTAGAAGAGAGAATGGGGAGGGTGAGGAGACAGTCACTGGAA-3'

ClinVar aggregate classification (germline): Likely pathogenic. Review status: reviewed by expert panel (3 of 4 stars). 3 submissions from 3 submitters: Likely pathogenic (1). 2 of the submissions do not count toward it. Last evaluated 2025-07-18.

Conditions:
Phenylketonuria (PKU). Also called: OLIGOPHRENIA PHENYLPYRUVICA; Phenylketonuria (PKU); Phenylketonurias; FOLLING DISEASE. Identifiers: Orphanet 716, MedGen C0031485, MONDO:0009861, OMIM 261600. Disease mechanism: loss of function.

Submissions (3):

ClinGen PAH Variant Curation Expert Panel
Classification: Likely pathogenic for Phenylketonuria. Last evaluated: 2025-07-18. Review status: reviewed by expert panel. Criteria: ClinGen PAH ACMG Specifications v1. Collection method: curation. Allele origin: germline. Inheritance: Autosomal recessive inheritance.
Comment: The NM_000277.3(PAH):c.187_190delinsCCCA (p.Thr63_His64delinsProAsn) variant in PAH has been reported in at least one patient with this variant displayed plasma phenylalanine concentration persistently above 120umol/L (2mg/dL) without analysis of urine pterins, DHPR activity, or sequencing to exclude defects of BH4 cofactor metabolism (PP4, PMIDs: 8406445, 9634518, 244250308). This variant is absent from gnomAD v4.1.0 (PM2_Supporting). A cell-free transcription-translation system showed 10-13% (<50%) enzyme activity in vitro with >11 benign/pathogenic variant controls, indicating that this variant impacts protein function (PMIDs:11161839, PS3_Moderate). This variant resides within a region that is defined as a mutational hotspot and critical functional domain by the ClinGen PAH Variant Curation Expert Panel (PMID: 11326337; PM1). In summary, this variant meets the criteria to be classified as likely pathogenic for autosomal recessive PAH deficiency based on the ACMG/AMP criteria applied, as specified by the ClinGen Phenylketonuria VCEP: PP4, PM2_supporting, PM1, PS3_moderate (Version 2.0, 7/16/2024).

Labcorp Genetics (formerly Invitae), Labcorp
Classification: Pathogenic for Phenylketonuria. Last evaluated: 2024-06-03. Review status: criteria provided, single submitter. Criteria: Invitae Variant Classification Sherloc (09022015). Collection method: clinical testing. Allele origin: germline. Not counted in ClinVar's aggregate classification.
Comment: This variant, c.187_190delinsCCCA, is a complex sequence change that results in the deletion of two amino acids and insertion of two amino acid(s) in the PAH protein (p.Thr63_His64delinsProAsn). Information on the frequency of this variant in the gnomAD database is not available, as this variant may be reported differently in the database. This variant has been observed in individual(s) with phenylketonuria (PMID: 8406445; Invitae). In at least one individual the data is consistent with being in trans (on the opposite chromosome) from a pathogenic variant. This variant is also known as T63P/H64N. ClinVar contains an entry for this variant (Variation ID: 102619). Advanced modeling of protein sequence and biophysical properties (such as structural, functional, and spatial information, amino acid conservation, physicochemical variation, residue mobility, and thermodynamic stability) performed at Invitae indicates that this missense variant is not expected to disrupt PAH protein function with a negative predictive value of 80%. Experimental studies have shown that this variant affects PAH function (PMID: 11161839, 11326337, 27049649). For these reasons, this variant has been classified as Pathogenic.

GeneDx
Classification: Pathogenic. Last evaluated: 2020-10-19. Review status: criteria provided, single submitter. Criteria: GeneDx Variant Classification Process June 2021. Collection method: clinical testing. Allele origin: germline. Affected: yes. Not counted in ClinVar's aggregate classification.
Comment: Reported previously in association with a mild hyperphenylalaninemia (HPA) phenotype (Guldberg et al. 1998); Functional analysis of the c.187_190delACCCinsCCCA variant found that it is associated with 10%-13% residual phenylalanine hydroxylase enzyme activity compared to wild-type (Gjetting et al. 2001); Not observed in large population cohorts (Lek et al., 2016); In silico analysis supports a deleterious effect on protein structure/function; This variant is associated with the following publications: (PMID: 9634518, 27049649, 11161839, 30037505, 17924342, 23296088, 8406445, 11326337)

Literature cited by the submitters: PubMed 8406445 (cited by Labcorp Genetics (formerly Invitae), Labcorp); PubMed 11161839 (cited by Labcorp Genetics (formerly Invitae), Labcorp); PubMed 11326337 (cited by Labcorp Genetics (formerly Invitae), Labcorp); PubMed 27049649 (cited by Labcorp Genetics (formerly Invitae), Labcorp).